The following is an entry in ClinVar:

NM_173628.4(DNAH17):c.4978G>A (p.Val1660Met)

Genes: DNAH17 (dynein axonemal heavy chain 17; minus strand), DNAH17-AS1 (DNAH17 antisense RNA 1; plus strand). Cytogenetic location: 17q25.3.
Variant type: single nucleotide variant.
Coding change: c.4978G>A on transcript NM_173628.4 (MANE Select); coding-DNA position 4978, G replaced by A.
Protein change: p.Val1660Met; replaces valine 1660 with methionine.
Molecular consequence: missense variant. On other transcripts: non-coding transcript variant (1).
Genome position (GRCh38, 1-based): chr17:78,502,990, C>T on the plus strand (G>A on the coding strand, the complement: DNAH17 is on the minus strand). VCF-style: chr17-78502990-C-T. GRCh37 (hg19) VCF-style: chr17-76499072-C-T.
Other names: short protein forms V1660M.
Identifiers: ClinVar variation 4280876 (VCV004280876.7).

ClinVar aggregate classification (germline): Uncertain significance (1 of 4 stars; one submission).

gnomAD v4.1: 1 of 1,613,808 alleles (0.000062%); highest among the groups gnomAD compares: Admixed American, 0.0017%; no homozygotes.

Submission:

CeGaT Center for Human Genetics Tuebingen
Classification: Uncertain significance. Last evaluated: 2025-09-01. Review status: criteria provided, single submitter. Criteria: CeGaT Center For Human Genetics Tuebingen Variant Classification Criteria Version 2. Collection method: clinical testing. Allele origin: germline. Affected: yes. Observed: 1 variant allele.
Comment: DNAH17: PM2, PP3